The following is an entry in ClinVar:

ClinVar aggregate classification (germline): Uncertain significance. Review status: criteria provided, multiple submitters, no conflicts (2 of 4 stars). 4 submissions from 4 submitters: Uncertain significance (4). Last evaluated 2023-03-07.

Conditions:
Cardiovascular phenotype. Identifiers: MedGen CN230736.
Arrhythmogenic right ventricular dysplasia 8 (ARVD8). Also called: ARRHYTHMOGENIC RIGHT VENTRICULAR DYSPLASIA, FAMILIAL, 8; ARRHYTHMOGENIC RIGHT VENTRICULAR CARDIOMYOPATHY 8; Arrhythmogenic Right Ventricular Dysplasia/Cardiomyopathy 8. Identifiers: MedGen C1843896, MONDO:0011831, OMIM 607450.
Cardiomyopathy, dilated, with wooly hair, keratoderma, and tooth agenesis. Also called: Cardiomyopathy, dilated, with woolly hair, keratoderma, and tooth agenesis; Erythrokeratodermia-cardiomyopathy syndrome. Identifiers: Orphanet 476096, Orphanet 65282, MedGen C4014393, MONDO:0014355, OMIM 615821.
Lethal acantholytic epidermolysis bullosa (EBLA). Identifiers: Orphanet 158687, MedGen C1864826, MONDO:0012323, OMIM 609638.
Woolly hair-skin fragility syndrome (WHSF). Identifiers: Orphanet 293165, MedGen C1843292, MONDO:0957307, OMIM 620415.
Arrhythmogenic cardiomyopathy with wooly hair and keratoderma. Also called: Dilated cardiomyopathy with woolly hair and keratoderma; PALMOPLANTAR KERATODERMA WITH LEFT VENTRICULAR CARDIOMYOPATHY AND WOOLLY HAIR; Carvajal syndrome; Arrhythmogenic cardiomyopathy with woolly hair and keratoderma. Identifiers: Orphanet 65282, MedGen C1854063, MONDO:0011581, OMIM 605676.
Keratosis palmoplantaris striata 2. Also called: Keratosis palmoplantaris striata II; KERATODERMA, PALMOPLANTAR, STRIATE FORM II; STRIATE PALMOPLANTAR KERATODERMA II. Identifiers: MedGen C1852127, MONDO:0013034, OMIM 612908.

Allele frequency attached by ClinVar (database versions not stated): gnomAD exomes below 0.00001 and 0.00001; TOPMed below 0.00001; ExAC 0.00001; gnomAD 0.00001.
gnomAD v4.1: 11 of 1,614,118 alleles (0.00068%); highest among the groups gnomAD compares: East Asian, 0.0022%; no homozygotes.

Submissions (4):

All of Us Research Program, National Institutes of Health
Classification: Uncertain significance for Arrhythmogenic cardiomyopathy with wooly hair and keratoderma. Last evaluated: 2023-03-07. Review status: criteria provided, single submitter. Criteria: ACMG Guidelines, 2015. Collection method: clinical testing. Allele origin: germline. Inheritance: Autosomal dominant inheritance. Observed: 1 variant allele, 1 heterozygote.
Comment: This missense variant replaces leucine with phenylalanine at codon 2802 of the DSP protein. Computational prediction suggests that this variant may not impact protein structure and function (internally defined REVEL score threshold <= 0.5, PMID: 27666373). To our knowledge, functional studies have not been reported for this variant. This variant has not been reported in individuals affected with DSP-related disorders in the literature. This variant has been identified in 1/251226 chromosomes in the general population by the Genome Aggregation Database (gnomAD). The available evidence is insufficient to determine the role of this variant in disease conclusively. Therefore, this variant is classified as a Variant of Uncertain Significance.

This study involves interpretation of variants in research participants for the purpose of population health screening. Participant phenotype was not available at the time of variant classification. Additional details can be found in publication PMID: 35346344, PMCID: PMC8962531

Labcorp Genetics (formerly Invitae), Labcorp
Classification: Uncertain significance for Arrhythmogenic cardiomyopathy with wooly hair and keratoderma; Arrhythmogenic right ventricular dysplasia 8. Last evaluated: 2022-04-22. Review status: criteria provided, single submitter. Criteria: Invitae Variant Classification Sherloc (09022015). Collection method: clinical testing. Allele origin: germline.
Comment: This sequence change replaces leucine, which is neutral and non-polar, with phenylalanine, which is neutral and non-polar, at codon 2802 of the DSP protein (p.Leu2802Phe). This variant is present in population databases (rs201271117, gnomAD 0.0009%). This variant has not been reported in the literature in individuals affected with DSP-related conditions. ClinVar contains an entry for this variant (Variation ID: 959135). Algorithms developed to predict the effect of missense changes on protein structure and function are either unavailable or do not agree on the potential impact of this missense change (SIFT: "Deleterious"; PolyPhen-2: "Probably Damaging"; Align-GVGD: "Class C0"). In summary, the available evidence is currently insufficient to determine the role of this variant in disease. Therefore, it has been classified as a Variant of Uncertain Significance.

Ambry Genetics
Classification: Uncertain significance for Cardiovascular phenotype. Last evaluated: 2021-10-29. Review status: criteria provided, single submitter. Criteria: Ambry Variant Classification Scheme 2023. Collection method: clinical testing. Allele origin: germline.
Comment: The p.L2802F variant (also known as c.8404C>T), located in coding exon 24 of the DSP gene, results from a C to T substitution at nucleotide position 8404. The leucine at codon 2802 is replaced by phenylalanine, an amino acid with highly similar properties. This amino acid position is conserved. In addition, this alteration is predicted to be tolerated by in silico analysis. Since supporting evidence is limited at this time, the clinical significance of this alteration remains unclear.

Fulgent Genetics
Classification: Uncertain significance for Arrhythmogenic cardiomyopathy with wooly hair and keratoderma; Arrhythmogenic right ventricular dysplasia 8; Lethal acantholytic epidermolysis bullosa; Keratosis palmoplantaris striata 2; Cardiomyopathy, dilated, with wooly hair, keratoderma, and tooth agenesis. Last evaluated: 2021-10-20. Review status: criteria provided, single submitter. Criteria: ACMG Guidelines, 2015. Collection method: clinical testing. Allele origin: unknown.

NM_004415.4(DSP):c.8404C>T (p.Leu2802Phe)

Gene: DSP (desmoplakin; plus strand). Cytogenetic location: 6p24.3.
Variant type: single nucleotide variant.
Coding change: c.8404C>T on transcript NM_004415.4 (MANE Select); coding-DNA position 8404, C replaced by T.
Protein change: p.Leu2802Phe; replaces leucine 2802 with phenylalanine.
Molecular consequence: missense variant.
Genome position (GRCh38, 1-based): chr6:7,585,666, C>T. VCF-style: chr6-7585666-C-T. GRCh37 (hg19) VCF-style: chr6-7585899-C-T.
Other names: c.6607C>T, p.Leu2203Phe (NM_001008844.3); c.7075C>T, p.Leu2359Phe (NM_001319034.2); short protein forms L2203F, L2802F, L2359F.
Identifiers: ClinVar variation 959135 (VCV000959135.14), dbSNP rs201271117, ClinGen allele CA052241.